The following is an entry in ClinVar:

NM_018105.3(THAP1):c.71del (p.Lys24fs)

Gene: THAP1 (THAP domain containing 1; minus strand). Cytogenetic location: 8p11.21.
Variant type: Deletion.
Coding change: c.71del on transcript NM_018105.3 (MANE Select); coding-DNA position 71, one base deleted (A; older notation c.71delA).
Protein change: p.Lys24fs; shifts the reading frame from lysine 24.
Molecular consequence: frameshift variant.
Genome position (GRCh38, 1-based): chr8:42,843,024, T deleted on the plus strand (A on the coding strand, the reverse complement: THAP1 is on the minus strand); the first of 2 consecutive T bases (chr8:42,843,024-42,843,025); deleting either gives the same sequence. VCF-style (leftmost placement, unchanged base first): chr8-42843023-CT-C. GRCh37 (hg19) VCF-style: chr8-42698166-CT-C.
Other names: c.74del, p.Lys25fs (NM_199003.2); short protein forms K25fs, K24fs.
Identifiers: ClinVar variation 845954 (VCV000845954.5), dbSNP rs1802756440, ClinGen allele CA916082985.

ClinVar aggregate classification (germline): Pathogenic (1 of 4 stars; one submission).

Conditions:
Torsion dystonia 6 (DYT6). Also called: DYT-THAP1. Identifiers: Orphanet 98806, MedGen C1414216, MONDO:0011264, OMIM 602629.

Submission:

Labcorp Genetics (formerly Invitae), Labcorp
Classification: Pathogenic for Torsion dystonia 6. Last evaluated: 2019-06-03. Review status: criteria provided, single submitter. Criteria: Invitae Variant Classification Sherloc (09022015). Collection method: clinical testing. Allele origin: germline.
Comment: This variant has not been reported in the literature in individuals with THAP1-related conditions. For these reasons, this variant has been classified as Pathogenic. Loss-of-function variants in THAP1 are known to be pathogenic (PMID: 19345147). Algorithms developed to predict the effect of sequence changes on RNA splicing suggest that this variant may disrupt the consensus splice site, but this prediction has not been confirmed by published transcriptional studies. This variant is not present in population databases (ExAC no frequency). This sequence change creates a premature translational stop signal (p.Lys24Serfs*49) in the THAP1 gene. It is expected to result in an absent or disrupted protein product.

Literature cited by the submitters: PubMed 19345147.